The following is an entry in ClinVar:

ClinVar aggregate classification (germline): Uncertain significance (1 of 4 stars; one submission).

Submission:

Women's Health and Genetics/Laboratory Corporation of America, LabCorp
Classification: Uncertain significance. Last evaluated: 2024-10-31. Review status: criteria provided, single submitter. Criteria: LabCorp Variant Classification Summary - May 2015. Collection method: clinical testing. Allele origin: germline.
Comment: Variant summary: PKHD1 c.11913_11914delTA (p.Thr3972TyrfsX67) results in a premature termination codon, predicted to cause a truncation of the encoded protein and predicted to not involved in nonsense mediated decay. The variant was absent in 250652 control chromosomes (gnomAD). The available data on variant occurrences in the general population are insufficient to allow any conclusion about variant significance. To our knowledge, no occurrence of c.11913_11914delTA in individuals affected with Polycystic Kidney And Hepatic Disease and no experimental evidence demonstrating its impact on protein function have been reported. No submitters have cited clinical-significance assessments for this variant to ClinVar. Based on the evidence outlined above, the variant was classified as uncertain significance.

NM_138694.4(PKHD1):c.11913_11914del (p.Thr3972fs)

Gene: PKHD1 (PKHD1 ciliary IPT domain containing fibrocystin/polyductin; minus strand). Cytogenetic location: 6p12.3.
Variant type: Deletion.
Coding change: c.11913_11914del on transcript NM_138694.4 (MANE Select); coding-DNA positions 11913 to 11914, 2 bases deleted (TA; older notation c.11913_11914delTA).
Protein change: p.Thr3972fs; shifts the reading frame from threonine 3972.
Molecular consequence: frameshift variant.
Genome position (GRCh38, 1-based): chr6:51,619,392-51,619,393, TA deleted on the plus strand (TA on the coding strand, the reverse complement: PKHD1 is on the minus strand). VCF-style (leftmost placement, unchanged base first): chr6-51619391-GTA-G. GRCh37 (hg19) VCF-style: chr6-51484189-GTA-G.
Other names: c.11913_11914delTA (NM_138694.4); short protein forms T3972fs.
Identifiers: ClinVar variation 3385054 (VCV003385054.1).
Genomic context (GRCh38, chr6:51,619,391, plus strand): 5'-TACACCTGCTGAGCAGGAGCACCTGGAGCACAGATGTGCCCATGGGATGTGATGCCAGTA[GTA>G]CCAGGAGCAGGCACAGCAGCCTCTTCCTCTCGGACAATGTGGCGGCTAACTTTCCTTCTG-3'